The following is an entry in ClinVar:

ClinVar aggregate classification (germline): Likely benign (1 of 4 stars; one submission).

Allele frequency attached by ClinVar (database versions not stated): gnomAD exomes 0.00006; ExAC 0.00009; ESP Exome Variant Server 0.00015; gnomAD 0.00031; TOPMed 0.00042.
gnomAD v4.1: 132 of 1,613,872 alleles (0.0082%); highest among the groups gnomAD compares: African/African-American, 0.13%; no homozygotes.

Submission:

CeGaT Center for Human Genetics Tuebingen
Classification: Likely benign. Last evaluated: 2023-04-01. Review status: criteria provided, single submitter. Criteria: CeGaT Center For Human Genetics Tuebingen Variant Classification Criteria Version 2. Collection method: clinical testing. Allele origin: germline. Affected: yes. Observed: 1 variant allele.
Comment: EXOSC10: BP4

NM_001001998.3(EXOSC10):c.2303G>A (p.Arg768Gln)

Gene: EXOSC10 (exosome component 10; minus strand). Cytogenetic location: 1p36.22.
Variant type: single nucleotide variant.
Coding change: c.2303G>A on transcript NM_001001998.3 (MANE Select); coding-DNA position 2303, G replaced by A.
Protein change: p.Arg768Gln; replaces arginine 768 with glutamine.
Molecular consequence: missense variant.
Genome position (GRCh38, 1-based): chr1:11,070,913, C>T on the plus strand (G>A on the coding strand, the complement: EXOSC10 is on the minus strand). VCF-style: chr1-11070913-C-T. GRCh37 (hg19) VCF-style: chr1-11130970-C-T.
Other names: c.2228G>A, p.Arg743Gln (NM_002685.4); short protein forms R743Q, R768Q.
Identifiers: ClinVar variation 2638217 (VCV002638217.24), dbSNP rs369320262, ClinGen allele CA587798.
Genomic context (GRCh38, chr1:11,070,913, plus strand): 5'-CAGGGGCATCGTTTTTCAAAGGAAAAAGGAGAAAAGCTGGCACATACCACGACCTGCTGT[C>T]GGACGGAGATGGCCTGTTCTGCTGCAGCTTTGCACGCCTCCTTTGCCTGTTCCCGGGCAG-3'
Protein context (NP_001001998.1, residues 758-778): KAAAEQAISV[Arg768Gln]QQVVLENAAK